The following is an entry in ClinVar:

ClinVar aggregate classification (germline): Uncertain significance (1 of 4 stars; one submission).

Submission:

GeneDx
Classification: Uncertain significance. Last evaluated: 2021-08-24. Review status: criteria provided, single submitter. Criteria: GeneDx Variant Classification Process June 2021. Collection method: clinical testing. Allele origin: germline. Affected: yes.
Comment: Has not been previously published as pathogenic or benign to our knowledge; Not observed at significant frequency in large population cohorts (gnomAD); In silico analysis supports that this missense variant has a deleterious effect on protein structure/function

NM_004187.5(KDM5C):c.4163T>G (p.Val1388Gly)

Gene: KDM5C (lysine demethylase 5C; minus strand). Cytogenetic location: Xp11.22.
Variant type: single nucleotide variant.
Coding change: c.4163T>G on transcript NM_004187.5 (MANE Select); coding-DNA position 4163, T replaced by G.
Protein change: p.Val1388Gly; replaces valine 1388 with glycine.
Molecular consequence: missense variant. On other transcripts: non-coding transcript variant (3).
Genome position (GRCh38, 1-based): chrX:53,193,591, A>C on the plus strand (T>G on the coding strand, the complement: KDM5C is on the minus strand). VCF-style: chrX-53193591-A-C. GRCh37 (hg19) VCF-style: chrX-53222773-A-C.
Other names: c.3953T>G, p.Val1318Gly (NM_001146702.2); c.4160T>G, p.Val1387Gly (NM_001282622.3, NM_001353979.2); c.4154T>G, p.Val1385Gly (NM_001353978.3, NM_001353981.2, NM_001353984.2); c.4151T>G, p.Val1384Gly (NM_001353982.2); short protein forms V1318G, V1384G, V1385G, V1387G, V1388G.
Identifiers: ClinVar variation 1342803 (VCV001342803.2), dbSNP rs2146815539, ClinGen allele CA413105334.
Genomic context (GRCh38, chrX:53,193,591, plus strand): 5'-AGGTCCCCCTCCATCATGAGCTCCTCCAAGGGGGCCCGGGTTGCCTCAGGCAGTTCCAAC[A>C]CAGGGCCAGTCAACTGTGGCAACAGCGAGGACAGCAGCTCCAGATCTAGGAGGTTGCAGG-3'
Protein context (NP_004178.2, residues 1378-1398): SSLLPQLTGP[Val1388Gly]LELPEATRAP